The following is an entry in ClinVar:

NM_053003.4(SIGLEC12):c.1161G>C (p.Ser387=)

Gene: SIGLEC12 (sialic acid binding Ig like lectin 12; minus strand). Cytogenetic location: 19q13.41.
Variant type: single nucleotide variant.
Coding change: c.1161G>C on transcript NM_053003.4 (MANE Select); coding-DNA position 1161, G replaced by C.
Protein change: p.Ser387=; no amino-acid change (serine 387 retained).
Molecular consequence: synonymous variant.
Genome position (GRCh38, 1-based): chr19:51,498,262, C>G on the plus strand (G>C on the coding strand, the complement: SIGLEC12 is on the minus strand). VCF-style: chr19-51498262-C-G. GRCh37 (hg19) VCF-style: chr19-52001516-C-G.
Other names: c.1011G>C, p.Ser337= (NM_001412258.1); c.807G>C, p.Ser269= (NM_033329.2).
Identifiers: ClinVar variation 2650377 (VCV002650377.24), dbSNP rs139552591, ClinGen allele CA9613553.

ClinVar aggregate classification (germline): Likely benign (1 of 4 stars; one submission).

gnomAD v4.1: 462 of 1,609,732 alleles (0.029%); highest among the groups gnomAD compares: Admixed American, 0.027%; 2 homozygotes.

Submission:

CeGaT Center for Human Genetics Tuebingen
Classification: Likely benign. Last evaluated: 2022-05-01. Review status: criteria provided, single submitter. Criteria: CeGaT Center For Human Genetics Tuebingen Variant Classification Criteria Version 2. Collection method: clinical testing. Allele origin: germline. Affected: yes. Observed: 1 variant allele.
Comment: SIGLEC12: BP4, BP7